The following is an entry in ClinVar:

ClinVar aggregate classification (germline): Uncertain significance. Review status: criteria provided, multiple submitters, no conflicts (2 of 4 stars). 3 submissions from 3 submitters: Uncertain significance (3). Last evaluated 2025-08-04.

Conditions:
Mitochondrial complex II deficiency, nuclear type 1. Also called: SUCCINATE CoQ REDUCTASE DEFICIENCY. Identifiers: Orphanet 3208, MedGen C5700310, MONDO:0100294, OMIM 252011.
Pheochromocytoma/paraganglioma syndrome 5. Also called: Paragangliomas 5; SDHA-Related Hereditary Paraganglioma-Pheochromocytoma Syndrome. Identifiers: Orphanet 29072, MedGen C3279992, MONDO:0013602, OMIM 614165.
Dilated cardiomyopathy 1GG (CMD1GG). Identifiers: Orphanet 154, MedGen C3150898, MONDO:0013339, OMIM 613642.
Hereditary cancer-predisposing syndrome. Also called: Tumor predisposition; Hereditary Cancer Syndrome; Neoplastic Syndromes, Hereditary; Hereditary neoplastic syndrome. Identifiers: Orphanet 140162, MedGen C0027672, MeSH D009386, MONDO:0015356.

Submissions (3):

Labcorp Genetics (formerly Invitae), Labcorp
Classification: Uncertain significance for Pheochromocytoma/paraganglioma syndrome 5; Mitochondrial complex II deficiency, nuclear type 1. Last evaluated: 2025-08-04. Review status: criteria provided, single submitter. Criteria: Invitae Variant Classification Sherloc (09022015). Collection method: clinical testing. Allele origin: germline.
Comment: This sequence change replaces asparagine, which is neutral and polar, with isoleucine, which is neutral and non-polar, at codon 409 of the SDHA protein (p.Asn409Ile). This variant is not present in population databases (gnomAD no frequency). This variant has not been reported in the literature in individuals affected with SDHA-related conditions. ClinVar contains an entry for this variant (Variation ID: 3240437). Invitae Evidence Modeling of protein sequence and biophysical properties (such as structural, functional, and spatial information, amino acid conservation, physicochemical variation, residue mobility, and thermodynamic stability) has been performed for this missense variant. However, the output from this modeling did not meet the statistical confidence thresholds required to predict the impact of this variant on SDHA protein function. In summary, the available evidence is currently insufficient to determine the role of this variant in disease. Therefore, it has been classified as a Variant of Uncertain Significance.

Ambry Genetics
Classification: Uncertain significance for Hereditary cancer-predisposing syndrome. Last evaluated: 2024-08-24. Review status: criteria provided, single submitter. Criteria: Ambry Variant Classification Scheme 2023. Collection method: clinical testing. Allele origin: germline.
Comment: The p.N409I variant (also known as c.1226A>T), located in coding exon 9 of the SDHA gene, results from an A to T substitution at nucleotide position 1226. The asparagine at codon 409 is replaced by isoleucine, an amino acid with dissimilar properties. This amino acid position is conserved. In addition, the in silico prediction for this alteration is inconclusive. Based on the available evidence, the clinical significance of this variant remains unclear.

Baylor Genetics
Classification: Uncertain significance for Dilated cardiomyopathy 1GG. Last evaluated: 2023-11-08. Review status: criteria provided, single submitter. Criteria: ACMG Guidelines, 2015. Collection method: clinical testing. Allele origin: unknown.

NM_004168.4(SDHA):c.1226A>T (p.Asn409Ile)

Gene: SDHA (succinate dehydrogenase complex flavoprotein subunit A; plus strand). Cytogenetic location: 5p15.33.
Variant type: single nucleotide variant.
Coding change: c.1226A>T on transcript NM_004168.4 (MANE Select); coding-DNA position 1226, A replaced by T.
Protein change: p.Asn409Ile; replaces asparagine 409 with isoleucine.
Molecular consequence: missense variant.
Genome position (GRCh38, 1-based): chr5:235,305, A>T. VCF-style: chr5-235305-A-T. GRCh37 (hg19) VCF-style: chr5-235420-A-T.
Other names: c.1226A>T (NM_004168.2); c.1082A>T, p.Asn361Ile (NM_001294332.2); c.1226A>T, p.Asn409Ile (NM_001330758.2); short protein forms N361I, N409I.
Identifiers: ClinVar variation 3240437 (VCV003240437.4), dbSNP rs2477364944.